The following is an entry in ClinVar:

ClinVar aggregate classification (germline): Uncertain significance (1 of 4 stars; one submission).

Conditions:
Familial thoracic aortic aneurysm and aortic dissection (TAAD). Also called: Thoracic aortic aneurysms and dissections. Identifiers: Orphanet 91387, MedGen C4707243, MONDO:0019625.

gnomAD v4.1: 14 of 1,612,992 alleles (0.00087%); highest among the groups gnomAD compares: African/African-American, 0.0013%; no homozygotes.

Submission:

Ambry Genetics
Classification: Uncertain significance for Familial thoracic aortic aneurysm and aortic dissection. Last evaluated: 2026-04-27. Review status: criteria provided, single submitter. Criteria: Ambry Variant Classification Scheme 2023. Collection method: clinical testing. Allele origin: germline.
Comment: The p.Q1018R variant (also known as c.3053A>G), located in coding exon 15 of the MYLK gene, results from an A to G substitution at nucleotide position 3053. The glutamine at codon 1018 is replaced by arginine, an amino acid with highly similar properties. This amino acid position is conserved. In addition, this alteration is predicted to be tolerated by in silico analysis. Based on the available evidence, the clinical significance of this variant remains unclear.

NM_053025.4(MYLK):c.3053A>G (p.Gln1018Arg)

Gene: MYLK (myosin light chain kinase; minus strand). Cytogenetic location: 3q21.1.
Variant type: single nucleotide variant.
Coding change: c.3053A>G on transcript NM_053025.4 (MANE Select); coding-DNA position 3053, A replaced by G.
Protein change: p.Gln1018Arg; replaces glutamine 1018 with arginine.
Molecular consequence: missense variant.
Genome position (GRCh38, 1-based): chr3:123,700,415, T>C on the plus strand (A>G on the coding strand, the complement: MYLK is on the minus strand). VCF-style: chr3-123700415-T-C. GRCh37 (hg19) VCF-style: chr3-123419262-T-C.
Other names: c.2525A>G, p.Gln842Arg (NM_001321309.2); c.2846A>G, p.Gln949Arg (NM_053026.4, NM_053028.4); c.3053A>G, p.Gln1018Arg (NM_053027.4); short protein forms Q1018R, Q842R, Q949R.
Identifiers: ClinVar variation 4860617 (VCV004860617.1).